The following is an entry in ClinVar:

ClinVar aggregate classification (germline): Likely benign. Review status: criteria provided, multiple submitters, no conflicts (2 of 4 stars). 10 submissions from 10 submitters: Likely benign (10). Last evaluated 2025-10-29.

Conditions:
Hereditary cancer-predisposing syndrome. Also called: Hereditary Cancer Syndrome; Hereditary neoplastic syndrome; Tumor predisposition; Neoplastic Syndromes, Hereditary. Identifiers: Orphanet 140162, MedGen C0027672, MeSH D009386, MONDO:0015356.
Peutz-Jeghers syndrome (PJS). Also called: POLYPOSIS, HAMARTOMATOUS INTESTINAL; POLYPS-AND-SPOTS SYNDROME; Peutz-Jeghers polyposis; Periorificial lentiginosis syndrome. Identifiers: Orphanet 2869, MedGen C0031269, MeSH D010580, MONDO:0008280, OMIM 175200.

Allele frequency attached by ClinVar (database versions not stated): gnomAD 0.00001; gnomAD exomes 0.00001; TOPMed 0.00001.
gnomAD v4.1: 6 of 1,609,910 alleles (0.00037%); highest among the groups gnomAD compares: Admixed American, 0.0067%; no homozygotes.

Submissions (10):

Quest Diagnostics Nichols Institute San Juan Capistrano
Classification: Likely benign. Last evaluated: 2025-10-29. Review status: criteria provided, single submitter. Criteria: Quest Diagnostics criteria. Collection method: clinical testing. Allele origin: unknown.

Labcorp Genetics (formerly Invitae), Labcorp
Classification: Likely benign for Peutz-Jeghers syndrome. Last evaluated: 2025-08-03. Review status: criteria provided, single submitter. Criteria: Invitae Variant Classification Sherloc (09022015). Collection method: clinical testing. Allele origin: germline.

Women's Health and Genetics/Laboratory Corporation of America, LabCorp
Classification: Likely benign. Last evaluated: 2025-04-29. Review status: criteria provided, single submitter. Criteria: LabCorp Variant Classification Summary - May 2015. Collection method: clinical testing. Allele origin: germline.

Myriad Genetics, Inc.
Classification: Likely benign for Peutz-Jeghers syndrome. Last evaluated: 2025-03-28. Review status: criteria provided, single submitter. Criteria: Myriad Autosomal Dominant, Autosomal Recessive and X-Linked Classification Criteria (2023). Collection method: clinical testing. Allele origin: unknown.
Comment: This variant is considered likely benign. This variant is intronic and is not expected to impact mRNA splicing.

All of Us Research Program, National Institutes of Health
Classification: Likely benign for Peutz-Jeghers syndrome. Last evaluated: 2024-05-09. Review status: criteria provided, single submitter. Criteria: ACMG Guidelines, 2015. Collection method: clinical testing. Allele origin: germline. Inheritance: Autosomal dominant inheritance. Observed: 7 variant alleles, 7 heterozygotes.
Comment: This study involves interpretation of variants in research participants for the purpose of population health screening. Participant phenotype was not available at the time of variant classification. Additional details can be found in publication PMID: 35346344, PMCID: PMC8962531

Color Diagnostics, LLC DBA Color Health
Classification: Likely benign for Hereditary cancer-predisposing syndrome. Last evaluated: 2024-03-27. Review status: criteria provided, single submitter. Criteria: ACMG Guidelines, 2015. Collection method: clinical testing. Allele origin: germline.

Sema4
Classification: Likely benign for Hereditary cancer-predisposing syndrome. Last evaluated: 2021-12-17. Review status: criteria provided, single submitter. Criteria: Sema4 Curation Guidelines. Collection method: curation. Allele origin: germline.

Genome-Nilou Lab
Classification: Likely benign for Peutz-Jeghers syndrome. Last evaluated: 2021-07-15. Review status: criteria provided, single submitter. Criteria: ACMG Guidelines, 2015. Collection method: clinical testing. Allele origin: germline. Affected: no.

Ambry Genetics
Classification: Likely benign for Hereditary cancer-predisposing syndrome. Last evaluated: 2019-06-06. Review status: criteria provided, single submitter. Criteria: Ambry Variant Classification Scheme 2023. Collection method: clinical testing. Allele origin: germline.

PreventionGenetics, part of Exact Sciences
Classification: Likely benign. Last evaluated: 2017-09-14. Review status: criteria provided, single submitter. Criteria: ACMG Guidelines, 2015. Collection method: clinical testing. Allele origin: germline.

NM_000455.5(STK11):c.1109-4C>T

Gene: STK11 (serine/threonine kinase 11; plus strand). Cytogenetic location: 19p13.3.
Variant type: single nucleotide variant.
Coding change: c.1109-4C>T on transcript NM_000455.5 (MANE Select); 4 bases into the intron before coding-DNA position 1109, C replaced by T.
Molecular consequence: intron variant.
Genome position (GRCh38, 1-based): chr19:1,226,450, C>T. VCF-style: chr19-1226450-C-T. GRCh37 (hg19) VCF-style: chr19-1226449-C-T.
Identifiers: ClinVar variation 458012 (VCV000458012.33), dbSNP rs1407794756, ClinGen allele CA631033964.